The following is an entry in ClinVar:

NM_000744.7(CHRNA4):c.613G>A (p.Glu205Lys)

Gene: CHRNA4 (cholinergic receptor nicotinic alpha 4 subunit; minus strand). Cytogenetic location: 20q13.33.
Variant type: single nucleotide variant.
Coding change: c.613G>A on transcript NM_000744.7 (MANE Select); coding-DNA position 613, G replaced by A.
Protein change: p.Glu205Lys; replaces glutamic acid 205 with lysine.
Molecular consequence: missense variant. On other transcripts: non-coding transcript variant (1).
Genome position (GRCh38, 1-based): chr20:63,350,798, C>T on the plus strand (G>A on the coding strand, the complement: CHRNA4 is on the minus strand). VCF-style: chr20-63350798-C-T. GRCh37 (hg19) VCF-style: chr20-61982150-C-T.
Other names: c.85G>A, p.Glu29Lys (NM_001256573.2); short protein forms E205K, E29K.
Identifiers: ClinVar variation 2837406 (VCV002837406.3), dbSNP rs2516542770, ClinGen allele CA409637569.

ClinVar aggregate classification (germline): Uncertain significance (1 of 4 stars; one submission).

Conditions:
Familial sleep-related hypermotor epilepsy. Also called: Autosomal Dominant Sleep-Related Hypermotor (Hyperkinetic) Epilepsy. Identifiers: Orphanet 98784, MedGen C3696898, MONDO:0000030.

Submission:

Labcorp Genetics (formerly Invitae), Labcorp
Classification: Uncertain significance. Last evaluated: 2023-02-14. Review status: criteria provided, single submitter. Criteria: Invitae Variant Classification Sherloc (09022015). Collection method: clinical testing. Allele origin: germline.
Comment: In summary, the available evidence is currently insufficient to determine the role of this variant in disease. Therefore, it has been classified as a Variant of Uncertain Significance. Advanced modeling of protein sequence and biophysical properties (such as structural, functional, and spatial information, amino acid conservation, physicochemical variation, residue mobility, and thermodynamic stability) performed at Invitae indicates that this missense variant is not expected to disrupt CHRNA4 protein function. This variant has not been reported in the literature in individuals affected with CHRNA4-related conditions. This variant is not present in population databases (gnomAD no frequency). This sequence change replaces glutamic acid, which is acidic and polar, with lysine, which is basic and polar, at codon 205 of the CHRNA4 protein (p.Glu205Lys).